The following is an entry in ClinVar:

ClinVar aggregate classification (germline): Likely benign. Review status: criteria provided, multiple submitters, no conflicts (2 of 4 stars). 2 submissions from 2 submitters: Likely benign (2). Last evaluated 2025-12-17.

Conditions:
SLC34A3-related disorder. Also called: SLC34A3-related condition.

Allele frequency attached by ClinVar (database versions not stated): ExAC 0.00007; ESP Exome Variant Server 0.00008; gnomAD 0.00009; TOPMed 0.00009.
gnomAD v4.1: 56 of 1,612,408 alleles (0.0035%); highest among the groups gnomAD compares: Middle Eastern, 0.034%; no homozygotes.

Submissions (2):

Labcorp Genetics (formerly Invitae), Labcorp
Classification: Likely benign. Last evaluated: 2025-12-17. Review status: criteria provided, single submitter. Criteria: Invitae Variant Classification Sherloc (09022015). Collection method: clinical testing. Allele origin: germline.

PreventionGenetics, part of Exact Sciences
Classification: Likely benign for SLC34A3-related condition. Last evaluated: 2024-12-12. Review status: criteria provided, single submitter. Criteria: ACMG Guidelines, 2015. Collection method: clinical testing. Allele origin: germline.
Comment: This variant is classified as likely benign based on ACMG/AMP sequence variant interpretation guidelines (Richards et al. 2015 PMID: 25741868, with internal and published modifications).

NM_001177316.2(SLC34A3):c.1368C>T (p.Ala456=)

Gene: SLC34A3 (solute carrier family 34 member 3; plus strand). Cytogenetic location: 9q34.3.
Variant type: single nucleotide variant.
Coding change: c.1368C>T on transcript NM_001177316.2 (MANE Select); coding-DNA position 1368, C replaced by T.
Protein change: p.Ala456=; no amino-acid change (alanine 456 retained).
Molecular consequence: synonymous variant.
Genome position (GRCh38, 1-based): chr9:137,235,984, C>T. VCF-style: chr9-137235984-C-T. GRCh37 (hg19) VCF-style: chr9-140130436-C-T.
Other names: c.1368C>T, p.Ala456= (NM_001177317.2, NM_080877.3); c.1368C>T (NM_080877.2).
Identifiers: ClinVar variation 2181406 (VCV002181406.5), dbSNP rs141078166, ClinGen allele CA5364929.